The following is an entry in ClinVar:

NM_006612.6(KIF1C):c.3050C>T (p.Ala1017Val)

Gene: KIF1C (kinesin family member 1C; plus strand). Cytogenetic location: 17p13.2.
Variant type: single nucleotide variant.
Coding change: c.3050C>T on transcript NM_006612.6 (MANE Select); coding-DNA position 3050, C replaced by T.
Protein change: p.Ala1017Val; replaces alanine 1017 with valine.
Molecular consequence: missense variant.
Genome position (GRCh38, 1-based): chr17:5,023,889, C>T. VCF-style: chr17-5023889-C-T. GRCh37 (hg19) VCF-style: chr17-4927184-C-T.
Other names: short protein forms A1017V.
Identifiers: ClinVar variation 1061938 (VCV001061938.9), dbSNP rs2143394246, ClinGen allele CA397319389.

ClinVar aggregate classification (germline): Uncertain significance (1 of 4 stars; one submission).

Conditions:
Spastic ataxia 2. Also called: Ataxia, spastic, 2, autosomal recessive. Identifiers: Orphanet 397946, MedGen C1969796, MONDO:0012651, OMIM 611302.

Allele frequency attached by ClinVar (database versions not stated): gnomAD exomes below 0.00001.
gnomAD v4.1: 1 of 1,545,500 alleles (0.000065%); highest among the groups gnomAD compares: Middle Eastern, 0.017%; no homozygotes.

Submission:

Labcorp Genetics (formerly Invitae), Labcorp
Classification: Uncertain significance for Spastic ataxia 2. Last evaluated: 2020-04-01. Review status: criteria provided, single submitter. Criteria: Invitae Variant Classification Sherloc (09022015). Collection method: clinical testing. Allele origin: germline.
Comment: In summary, the available evidence is currently insufficient to determine the role of this variant in disease. Therefore, it has been classified as a Variant of Uncertain Significance. Algorithms developed to predict the effect of missense changes on protein structure and function output the following: SIFT: "Tolerated"; PolyPhen-2: "Benign"; Align-GVGD: "Class C0". The valine amino acid residue is found in multiple mammalian species, suggesting that this missense change does not adversely affect protein function. These predictions have not been confirmed by published functional studies and their clinical significance is uncertain. This variant has not been reported in the literature in individuals with KIF1C-related conditions. This variant is not present in population databases (ExAC no frequency). This sequence change replaces alanine with valine at codon 1017 of the KIF1C protein (p.Ala1017Val). The alanine residue is weakly conserved and there is a small physicochemical difference between alanine and valine.